The following is an entry in ClinVar:

ClinVar aggregate classification (germline): Uncertain significance (1 of 4 stars; one submission).

Conditions:
Eichsfeld type congenital muscular dystrophy (CMYO3). Also called: Rigid spine muscular dystrophy 1; MYOPATHY, SEPN1-RELATED; SELENON-related myopathy; Congenital myopathy 3 with rigid spine. Identifiers: MedGen C0410180, MONDO:0100100, OMIM 602771.

gnomAD v4.1: 19 of 1,587,784 alleles (0.0012%); highest among the groups gnomAD compares: Non-Finnish European, 0.0016%; no homozygotes.

Submission:

Labcorp Genetics (formerly Invitae), Labcorp
Classification: Uncertain significance for Eichsfeld type congenital muscular dystrophy. Last evaluated: 2025-01-08. Review status: criteria provided, single submitter. Criteria: Invitae Variant Classification Sherloc (09022015). Collection method: clinical testing. Allele origin: germline.
Comment: This sequence change replaces glutamic acid, which is acidic and polar, with aspartic acid, which is acidic and polar, at codon 402 of the SELENON protein (p.Glu402Asp). This variant is present in population databases (rs531510793, gnomAD 0.007%). This variant has not been reported in the literature in individuals affected with SELENON-related conditions. An algorithm developed to predict the effect of missense changes on protein structure and function (PolyPhen-2) suggests that this variant¬†is likely to be tolerated. In summary, the available evidence is currently insufficient to determine the role of this variant in disease. Therefore, it has been classified as a Variant of Uncertain Significance.

NM_206926.2(SELENON):c.1104G>C (p.Glu368Asp)

Gene: SELENON (selenoprotein N; plus strand). Cytogenetic location: 1p36.11.
Variant type: single nucleotide variant.
Coding change: c.1104G>C on transcript NM_206926.2 (MANE Select); coding-DNA position 1104, G replaced by C.
Protein change: p.Glu368Asp; replaces glutamic acid 368 with aspartic acid.
Molecular consequence: missense variant.
Genome position (GRCh38, 1-based): chr1:25,811,804, G>C. VCF-style: chr1-25811804-G-C. GRCh37 (hg19) VCF-style: chr1-26138295-G-C.
Other names: c.1206G>C, p.Glu402Asp (NM_020451.3); short protein forms E368D, E402D.
Identifiers: ClinVar variation 3670294 (VCV003670294.1).